The following is an entry in ClinVar:

NM_138694.4(PKHD1):c.4106G>A (p.Arg1369His)

Gene: PKHD1 (PKHD1 ciliary IPT domain containing fibrocystin/polyductin; minus strand). Cytogenetic location: 6p12.2.
Variant type: single nucleotide variant.
Coding change: c.4106G>A on transcript NM_138694.4 (MANE Select); coding-DNA position 4106, G replaced by A.
Protein change: p.Arg1369His; replaces arginine 1369 with histidine.
Molecular consequence: missense variant.
Genome position (GRCh38, 1-based): chr6:52,025,704, C>T on the plus strand (G>A on the coding strand, the complement: PKHD1 is on the minus strand). VCF-style: chr6-52025704-C-T. GRCh37 (hg19) VCF-style: chr6-51890502-C-T.
Other names: c.4106G>A, p.Arg1369His (NM_170724.3); short protein forms R1369H.
Identifiers: ClinVar variation 3213757 (VCV003213757.3), dbSNP rs375580511, ClinGen allele CA3852780.

ClinVar aggregate classification (germline): Uncertain significance. Review status: criteria provided, multiple submitters, no conflicts (2 of 4 stars). 3 submissions from 3 submitters: Uncertain significance (3). Last evaluated 2025-06-27.

Conditions:
Autosomal recessive polycystic kidney disease (ARPKD). Also called: AR polycystic kidney disease. Identifiers: Orphanet 731, Orphanet 8378, MedGen C0085548, MeSH D017044, MONDO:0009889.
Polycystic kidney disease 4 (PKD4). Also called: POLYCYSTIC KIDNEY DISEASE 4 WITH OR WITHOUT POLYCYSTIC LIVER DISEASE; PKD3; POLYCYSTIC KIDNEY AND HEPATIC DISEASE 1; POLYCYSTIC KIDNEY DISEASE, INFANTILE, TYPE I; Autosomal Recessive Polycystic Kidney Disease – PKHD1. Identifiers: MedGen C4540575, MONDO:0033004, OMIM 263200.
Inborn genetic diseases. Identifiers: MedGen C0950123, MeSH D030342.

Allele frequency attached by ClinVar (database versions not stated): gnomAD 0.00002; ExAC 0.00003; gnomAD exomes 0.00003; TOPMed 0.00003; ESP Exome Variant Server 0.00008.
gnomAD v4.1: 46 of 1,614,068 alleles (0.0028%); highest among the groups gnomAD compares: South Asian, 0.011%; no homozygotes.

Submissions (3):

Labcorp Genetics (formerly Invitae), Labcorp
Classification: Uncertain significance for Autosomal recessive polycystic kidney disease. Last evaluated: 2025-06-27. Review status: criteria provided, single submitter. Criteria: Invitae Variant Classification Sherloc (09022015). Collection method: clinical testing. Allele origin: germline.
Comment: This sequence change replaces arginine, which is basic and polar, with histidine, which is basic and polar, at codon 1369 of the PKHD1 protein (p.Arg1369His). This variant is present in population databases (rs375580511, gnomAD 0.02%). This variant has not been reported in the literature in individuals affected with PKHD1-related conditions. ClinVar contains an entry for this variant (Variation ID: 3213757). Invitae Evidence Modeling of protein sequence and biophysical properties (such as structural, functional, and spatial information, amino acid conservation, physicochemical variation, residue mobility, and thermodynamic stability) indicates that this missense variant is not expected to disrupt PKHD1 protein function with a negative predictive value of 95%. In summary, the available evidence is currently insufficient to determine the role of this variant in disease. Therefore, it has been classified as a Variant of Uncertain Significance.

Fulgent Genetics
Classification: Uncertain significance for Polycystic kidney disease 4. Last evaluated: 2024-04-30. Review status: criteria provided, single submitter. Criteria: ACMG Guidelines, 2015. Collection method: clinical testing. Allele origin: germline.

Ambry Genetics
Classification: Uncertain significance for Inborn genetic diseases. Last evaluated: 2024-02-05. Review status: criteria provided, single submitter. Criteria: Ambry Variant Classification Scheme 2023. Collection method: clinical testing. Allele origin: germline.